The following is an entry in ClinVar:

ClinVar aggregate classification (germline): Uncertain significance (1 of 4 stars; one submission).

Submission:

Labcorp Genetics (formerly Invitae), Labcorp
Classification: Uncertain significance. Last evaluated: 2020-04-18. Review status: criteria provided, single submitter. Criteria: Invitae Variant Classification Sherloc (09022015). Collection method: clinical testing. Allele origin: germline.
Comment: Algorithms developed to predict the effect of missense changes on protein structure and function are either unavailable or do not agree on the potential impact of this missense change (SIFT: "Tolerated"; PolyPhen-2: "Probably Damaging"; Align-GVGD: "Class C0"). In summary, the available evidence is currently insufficient to determine the role of this variant in disease. Therefore, it has been classified as a Variant of Uncertain Significance. This variant has not been reported in the literature in individuals with ABHD12-related conditions. This variant is not present in population databases (ExAC no frequency). This sequence change replaces proline with alanine at codon 94 of the ABHD12 protein (p.Pro94Ala). The proline residue is highly conserved and there is a small physicochemical difference between proline and alanine.

NM_001042472.3(ABHD12):c.280C>G (p.Pro94Ala)

Gene: ABHD12 (abhydrolase domain containing 12, lysophospholipase; minus strand). Cytogenetic location: 20p11.21.
Variant type: single nucleotide variant.
Coding change: c.280C>G on transcript NM_001042472.3 (MANE Select); coding-DNA position 280, C replaced by G.
Protein change: p.Pro94Ala; replaces proline 94 with alanine.
Molecular consequence: missense variant.
Genome position (GRCh38, 1-based): chr20:25,339,263, G>C on the plus strand (C>G on the coding strand, the complement: ABHD12 is on the minus strand). VCF-style: chr20-25339263-G-C. GRCh37 (hg19) VCF-style: chr20-25319899-G-C.
Other names: c.280C>G, p.Pro94Ala (NM_015600.5); short protein forms P94A.
Identifiers: ClinVar variation 1062075 (VCV001062075.9), dbSNP rs2146035375, ClinGen allele CA408445675.